The following is an entry in ClinVar:

ClinVar aggregate classification (germline): Benign/Likely benign. Review status: criteria provided, multiple submitters, no conflicts (2 of 4 stars). 3 submissions from 3 submitters: Benign (1); Likely benign (2). Last evaluated 2026-01-20.

Conditions:
Hereditary cancer-predisposing syndrome. Also called: Hereditary neoplastic syndrome; Neoplastic Syndromes, Hereditary; Tumor predisposition; Hereditary Cancer Syndrome. Identifiers: Orphanet 140162, MedGen C0027672, MeSH D009386, MONDO:0015356.
Familial cancer of breast. Also called: Hereditary breast cancer; hereditary breast carcinoma; BREAST CANCER, FAMILIAL. Identifiers: Orphanet 227535, MedGen C0346153, MONDO:0016419, OMIM 114480. Disease mechanism: loss of function.
Fanconi anemia complementation group J. Also called: BRIP1-Related Fanconi Anemia. Identifiers: Orphanet 84, MedGen C1836860, MONDO:0012187, OMIM 609054.

Allele frequency attached by ClinVar (database versions not stated): gnomAD exomes below 0.00001.
gnomAD v4.1: 1 of 1,614,002 alleles (0.000062%); highest among the groups gnomAD compares: Admixed American, 0.0017%; no homozygotes.

Submissions (3):

Labcorp Genetics (formerly Invitae), Labcorp
Classification: Likely benign for Familial cancer of breast; Fanconi anemia complementation group J. Last evaluated: 2026-01-20. Review status: criteria provided, single submitter. Criteria: Invitae Variant Classification Sherloc (09022015). Collection method: clinical testing. Allele origin: germline.

Myriad Genetics, Inc.
Classification: Benign for Familial cancer of breast. Last evaluated: 2024-08-21. Review status: criteria provided, single submitter. Criteria: Myriad Autosomal Dominant, Autosomal Recessive and X-Linked Classification Criteria (2023). Collection method: clinical testing. Allele origin: unknown.
Comment: This variant is considered benign. This variant is a silent/synonymous amino acid change and it is not expected to impact splicing.

Ambry Genetics
Classification: Likely benign for Hereditary cancer-predisposing syndrome. Last evaluated: 2023-12-07. Review status: criteria provided, single submitter. Criteria: Ambry Variant Classification Scheme 2023. Collection method: clinical testing. Allele origin: germline.

NM_032043.3(BRIP1):c.360C>T (p.Gly120=)

Gene: BRIP1 (BRCA1 interacting DNA helicase 1; minus strand). Cytogenetic location: 17q23.2.
Variant type: single nucleotide variant.
Coding change: c.360C>T on transcript NM_032043.3 (MANE Select); coding-DNA position 360, C replaced by T.
Protein change: p.Gly120=; no amino-acid change (glycine 120 retained).
Molecular consequence: synonymous variant.
Genome position (GRCh38, 1-based): chr17:61,857,077, G>A on the plus strand (C>T on the coding strand, the complement: BRIP1 is on the minus strand). VCF-style: chr17-61857077-G-A. GRCh37 (hg19) VCF-style: chr17-59934438-G-A.
Identifiers: ClinVar variation 407795 (VCV000407795.9), dbSNP rs1060501730, ClinGen allele CA16615833.